The following is an entry in ClinVar:

NM_014283.5(SUCO):c.238A>G (p.Ile80Val)

Gene: SUCO (SUN domain containing ossification factor; plus strand). Cytogenetic location: 1q24.3.
Variant type: single nucleotide variant.
Coding change: c.238A>G on transcript NM_014283.5 (MANE Select); coding-DNA position 238, A replaced by G.
Protein change: p.Ile80Val; replaces isoleucine 80 with valine.
Molecular consequence: missense variant. On other transcripts: 5 prime UTR variant (1), intron variant (2).
Genome position (GRCh38, 1-based): chr1:172,553,320, A>G. VCF-style: chr1-172553320-A-G. GRCh37 (hg19) VCF-style: chr1-172522460-A-G.
Other names: c.-1292A>G (NM_001282751.2); c.762+1694A>G (NM_016227.4); c.177+1694A>G (NM_001282750.2); c.238A>G (NM_014283.3); short protein forms I80V.
Identifiers: ClinVar variation 2731558 (VCV002731558.4), dbSNP rs1236282149, ClinGen allele CA343736326.

ClinVar aggregate classification (germline): Conflicting classifications of pathogenicity. Review status: criteria provided, conflicting classifications (1 of 4 stars). 2 submissions from 2 submitters: Uncertain significance (1); Likely benign (1). Last evaluated 2025-08-14.

Allele frequency attached by ClinVar (database versions not stated): gnomAD exomes 0.00001.
gnomAD v4.1: 10 of 1,606,162 alleles (0.00062%); highest among the groups gnomAD compares: Admixed American, 0.01%; no homozygotes.

Submissions (2):

Ambry Genetics
Classification: Likely benign. Last evaluated: 2025-08-14. Review status: criteria provided, single submitter. Criteria: Ambry Variant Classification Scheme 2023. Collection method: clinical testing. Allele origin: germline.

Labcorp Genetics (formerly Invitae), Labcorp
Classification: Uncertain significance. Last evaluated: 2024-07-03. Review status: criteria provided, single submitter. Criteria: Invitae Variant Classification Sherloc (09022015). Collection method: clinical testing. Allele origin: germline.
Comment: This sequence change replaces isoleucine, which is neutral and non-polar, with valine, which is neutral and non-polar, at codon 80 of the SUCO protein (p.Ile80Val). This variant is present in population databases (no rsID available, gnomAD 0.009%). This variant has not been reported in the literature in individuals affected with SUCO-related conditions. Algorithms developed to predict the effect of missense changes on protein structure and function output the following: SIFT: "Not Available"; PolyPhen-2: "Benign"; Align-GVGD: "Not Available". The valine amino acid residue is found in multiple mammalian species, which suggests that this missense change does not adversely affect protein function. In summary, the available evidence is currently insufficient to determine the role of this variant in disease. Therefore, it has been classified as a Variant of Uncertain Significance.